The following is an entry in ClinVar:

ClinVar aggregate classification (germline): Uncertain significance (1 of 4 stars; one submission).

Submission:

Labcorp Genetics (formerly Invitae), Labcorp
Classification: Uncertain significance. Last evaluated: 2022-10-13. Review status: criteria provided, single submitter. Criteria: Invitae Variant Classification Sherloc (09022015). Collection method: clinical testing. Allele origin: germline.
Comment: In summary, the available evidence is currently insufficient to determine the role of this variant in disease. Therefore, it has been classified as a Variant of Uncertain Significance. Advanced modeling of protein sequence and biophysical properties (such as structural, functional, and spatial information, amino acid conservation, physicochemical variation, residue mobility, and thermodynamic stability) performed at Invitae indicates that this missense variant is not expected to disrupt SETD5 protein function. ClinVar contains an entry for this variant (Variation ID: 1500845). This variant has not been reported in the literature in individuals affected with SETD5-related conditions. This variant is not present in population databases (gnomAD no frequency). This sequence change replaces arginine, which is basic and polar, with lysine, which is basic and polar, at codon 1190 of the SETD5 protein (p.Arg1190Lys).

NM_001080517.3(SETD5):c.3569G>A (p.Arg1190Lys)

Gene: SETD5 (SET domain containing 5; plus strand). Cytogenetic location: 3p25.3.
Variant type: single nucleotide variant.
Coding change: c.3569G>A on transcript NM_001080517.3 (MANE Select); coding-DNA position 3569, G replaced by A.
Protein change: p.Arg1190Lys; replaces arginine 1190 with lysine.
Molecular consequence: missense variant.
Genome position (GRCh38, 1-based): chr3:9,474,520, G>A. VCF-style: chr3-9474520-G-A. GRCh37 (hg19) VCF-style: chr3-9516204-G-A.
Other names: c.3275G>A, p.Arg1092Lys (NM_001292043.2, NM_001349451.2); short protein forms R1092K, R1190K.
Identifiers: ClinVar variation 1500845 (VCV001500845.6), dbSNP rs2125618688, ClinGen allele CA351689137.